The following is an entry in ClinVar:

ClinVar aggregate classification (germline): Uncertain significance. Review status: criteria provided, multiple submitters, no conflicts (2 of 4 stars). 2 submissions from 2 submitters: Uncertain significance (2). Last evaluated 2025-03-28.

Allele frequency attached by ClinVar (database versions not stated): gnomAD exomes 0.00002; TOPMed 0.00020; gnomAD 0.00022.

Submissions (2):

GeneDx
Classification: Uncertain significance. Last evaluated: 2025-03-28. Review status: criteria provided, single submitter. Criteria: GeneDx Variant Classification Process June 2021. Collection method: clinical testing. Allele origin: germline. Affected: yes.
Comment: In silico analysis is inconclusive as to whether the variant alters gene splicing. In the absence of RNA/functional studies, the actual effect of this sequence change is unknown.; Has not been previously published as pathogenic or benign to our knowledge

Labcorp Genetics (formerly Invitae), Labcorp
Classification: Uncertain significance. Last evaluated: 2022-08-06. Review status: criteria provided, single submitter. Criteria: Invitae Variant Classification Sherloc (09022015). Collection method: clinical testing. Allele origin: germline.
Comment: This sequence change affects codon 373 of the ERCC2 mRNA. It is a 'silent' change, meaning that it does not change the encoded amino acid sequence of the ERCC2 protein. It affects a nucleotide within the consensus splice site. This variant is present in population databases (rs766208120, gnomAD 0.1%). This variant has not been reported in the literature in individuals affected with ERCC2-related conditions. Algorithms developed to predict the effect of sequence changes on RNA splicing suggest that this variant may disrupt the consensus splice site. In summary, the available evidence is currently insufficient to determine the role of this variant in disease. Therefore, it has been classified as a Variant of Uncertain Significance.

NM_000400.4(ERCC2):c.1117A>C (p.Arg373=)

Gene: ERCC2 (ERCC excision repair 2, TFIIH core complex helicase subunit; minus strand). Cytogenetic location: 19q13.32.
Variant type: single nucleotide variant.
Coding change: c.1117A>C on transcript NM_000400.4 (MANE Select); coding-DNA position 1117, A replaced by C.
Protein change: p.Arg373=; no amino-acid change (arginine 373 retained).
Molecular consequence: synonymous variant.
Genome position (GRCh38, 1-based): chr19:45,363,744, T>G on the plus strand (A>C on the coding strand, the complement: ERCC2 is on the minus strand). VCF-style: chr19-45363744-T-G. GRCh37 (hg19) VCF-style: chr19-45867002-T-G.
Other names: c.1045A>C, p.Arg349= (NM_001130867.2).
Identifiers: ClinVar variation 2146620 (VCV002146620.2), dbSNP rs766208120, ClinGen allele CA9513543.
Genomic context (GRCh38, chr19:45,363,744, plus strand): 5'-CGGCTCTGCATAACCGGGACCTGCCGGGCCCCCACCCCGCGCGCTGTCTGGGGCCGCACC[T>G]GAGGGGCTTGCGCTGGATGCACACGCGCTGGGCCAGGCCGCTCAGGAAGGCGGGCGGGCT-3'
Protein context (NP_000391.1, residues 363-383): QRVCIQRKPL[Arg373=]FCAERLRSLL